The following is an entry in ClinVar:

ClinVar aggregate classification (germline): Uncertain significance (1 of 4 stars; one submission).

Submission:

GeneDx
Classification: Uncertain significance. Last evaluated: 2024-06-17. Review status: criteria provided, single submitter. Criteria: GeneDx Variant Classification Process June 2021. Collection method: clinical testing. Allele origin: germline. Affected: yes.
Comment: Not observed at significant frequency in large population cohorts (gnomAD); In silico analysis supports that this missense variant has a deleterious effect on protein structure/function; Has not been previously published as pathogenic or benign to our knowledge

NM_015103.3(PLXND1):c.5440G>A (p.Gly1814Ser)

Genes: PLXND1 (plexin D1; minus strand), LOC112872301 (Sharpr-MPRA regulatory region 1469; plus strand). Cytogenetic location: 3q22.1.
Variant type: single nucleotide variant.
Coding change: c.5440G>A on transcript NM_015103.3 (MANE Select); coding-DNA position 5440, G replaced by A.
Protein change: p.Gly1814Ser; replaces glycine 1814 with serine.
Molecular consequence: missense variant.
Genome position (GRCh38, 1-based): chr3:129,558,433, C>T on the plus strand (G>A on the coding strand, the complement: PLXND1 is on the minus strand). VCF-style: chr3-129558433-C-T. GRCh37 (hg19) VCF-style: chr3-129277276-C-T.
Other names: short protein forms G1814S.
Identifiers: ClinVar variation 3391744 (VCV003391744.1).